The following is an entry in ClinVar:

ClinVar aggregate classification (germline): Likely pathogenic (1 of 4 stars; one submission).

Conditions:
ZTTK syndrome (ZTTKS). Also called: ZTTK MULTIPLE CONGENITAL ANOMALIES-MENTAL RETARDATION SYNDROME; Zhu-Tokita-Takenouchi-Kim Syndrome. Identifiers: Orphanet 500150, MedGen C4310696, MONDO:0014936, OMIM 617140.

Submission:

Institute of Immunology and Genetics Kaiserslautern
Classification: Likely pathogenic for ZTTK syndrome. Last evaluated: 2024-02-20. Review status: criteria provided, single submitter. Criteria: ACMG Guidelines, 2015. Collection method: clinical testing. Allele origin: de novo. Affected: yes.
Comment: ACMG Criteria: PS2, PM2; Variant was found in heterozygous state

NM_138927.4(SON):c.2615A>T (p.Asp872Val)

Gene: SON (SON DNA and RNA binding protein; plus strand). Cytogenetic location: 21q22.11.
Variant type: single nucleotide variant.
Coding change: c.2615A>T on transcript NM_138927.4 (MANE Select); coding-DNA position 2615, A replaced by T.
Protein change: p.Asp872Val; replaces aspartic acid 872 with valine.
Molecular consequence: missense variant. On other transcripts: non-coding transcript variant (1), intron variant (1).
Genome position (GRCh38, 1-based): chr21:33,551,846, A>T. VCF-style: chr21-33551846-A-T. GRCh37 (hg19) VCF-style: chr21-34924152-A-T.
Other names: c.2615A>T, p.Asp872Val (NM_001291411.2, NM_001412133.1, NM_032195.3 and 2 more transcripts); c.245-5310A>T (NM_001291412.3); short protein forms D872V.
Identifiers: ClinVar variation 3063585 (VCV003063585.1), dbSNP rs2517364357, ClinGen allele CA410158381.